The following is an entry in ClinVar:

ClinVar aggregate classification (germline): Uncertain significance. Review status: criteria provided, multiple submitters, no conflicts (2 of 4 stars). 8 submissions from 8 submitters: Uncertain significance (8). Last evaluated 2026-07-06.

Conditions:
King Denborough syndrome (KDS). Identifiers: MedGen C1840365, MONDO:0020485, OMIM 619542.
Congenital myopathy with fiber type disproportion. Also called: Congenital fiber-type disproportion myopathy; Congenital fiber-type disproportion. Identifiers: Orphanet 2020, MedGen C0546264, MONDO:0009711. Inheritance: all.
Central core myopathy (CMYO1A). Also called: Central core disease; Myopathy, central fibrillar; CONGENITAL MYOPATHY 1A, AUTOSOMAL DOMINANT, WITH SUSCEPTIBILITY TO MALIGNANT HYPERTHERMIA. Identifiers: Orphanet 597, MedGen C5830701, MONDO:0007294, OMIM 117000.
Malignant hyperthermia, susceptibility to, 1 (MHS1). Also called: RYR1-Related Malignant Hyperthermia Susceptibility; Anesthesia related hyperthermia; Malignant hyperpyrexia; Fulminating hyperpyrexia; Pharmacogenic myopathy; Malignant hyperthermia suceptibility 1. Identifiers: Orphanet 423, MedGen C2930980, MONDO:0007783, OMIM 145600.
Congenital multicore myopathy with external ophthalmoplegia (CMYO1B). Also called: MULTIMINICORE DISEASE WITH EXTERNAL OPHTHALMOPLEGIA; Minicore myopathy with external ophthalmoplegia; MULTICORE MYOPATHY; Congenital myopathy 1B, autosomal recessive; Minicore myopathy. Identifiers: Orphanet 598, Orphanet 98905, MedGen C1850674, MONDO:0009712, OMIM 255320, HP:0003789.
RYR1-related disorder. Also called: RYR1-related disorders; RYR1-related condition. Identifiers: MedGen CN239331.
Inborn genetic diseases. Identifiers: MedGen C0950123, MeSH D030342.

Allele frequency attached by ClinVar (database versions not stated): gnomAD exomes 0.00003; gnomAD 0.00001; 1000 Genomes Project 30x 0.00016; 1000 Genomes Project 0.00020; TOPMed below 0.00001; ExAC 0.00005.
gnomAD v4.1: 9 of 1,545,608 alleles (0.00058%); highest among the groups gnomAD compares: South Asian, 0.0095%; no homozygotes.

Submissions (8):

Ambry Genetics
Classification: Uncertain significance for Inborn genetic diseases. Last evaluated: 2026-07-06. Review status: criteria provided, single submitter. Criteria: Ambry Variant Classification Scheme 2023. Collection method: clinical testing. Allele origin: germline.
Comment: The p.P1059S variant (also known as c.3175C>T), located in coding exon 24 of the RYR1 gene, results from a C to T substitution at nucleotide position 3175. The proline at codon 1059 is replaced by serine, an amino acid with similar properties. This amino acid position is conserved. In addition, the in silico prediction for this alteration is inconclusive. Based on the available evidence, the clinical significance of this variant remains unclear.

Color Diagnostics, LLC DBA Color Health
Classification: Uncertain significance for Malignant hyperthermia, susceptibility to, 1. Last evaluated: 2025-08-25. Review status: criteria provided, single submitter. Criteria: ACMG Guidelines, 2015. Collection method: clinical testing. Allele origin: germline.
Comment: This missense variant replaces proline with serine at codon 1059 of the RYR1 protein. Computational prediction suggests that this variant may not impact protein structure and function. To our knowledge, functional studies have not been reported for this variant. This variant has not been reported in individuals affected with RYR1-related disorders in the literature. This variant has been identified in 4/147986 chromosomes in the general population by the Genome Aggregation Database (gnomAD). The available evidence is insufficient to determine the role of this variant in disease conclusively. Therefore, this variant is classified as a Variant of Uncertain Significance.

All of Us Research Program, National Institutes of Health
Classification: Uncertain significance for Malignant hyperthermia, susceptibility to, 1. Last evaluated: 2023-05-23. Review status: criteria provided, single submitter. Criteria: ACMG Guidelines, 2015. Collection method: clinical testing. Allele origin: germline. Inheritance: Autosomal dominant inheritance. Observed: 2 variant alleles, 2 heterozygotes.
Comment: This study involves interpretation of variants in research participants for the purpose of population health screening. Participant phenotype was not available at the time of variant classification. Additional details can be found in publication PMID: 35346344, PMCID: PMC8962531

PreventionGenetics, part of Exact Sciences
Classification: Uncertain significance for RYR1-related condition. Last evaluated: 2022-12-15. Review status: criteria provided, single submitter. Criteria: ACMG Guidelines, 2015. Collection method: clinical testing. Allele origin: germline.
Comment: The RYR1 c.3175C>T variant is predicted to result in the amino acid substitution p.Pro1059Ser. To our knowledge, this variant has not been reported in the literature. This variant is reported in 0.018% of alleles in individuals of South Asian descent in gnomAD. At this time, the clinical significance of this variant is uncertain due to the absence of conclusive functional and genetic evidence.

Revvity Omics, Revvity
Classification: Uncertain significance. Last evaluated: 2022-04-21. Review status: criteria provided, single submitter. Criteria: ACMG Guidelines, 2015. Collection method: clinical testing. Allele origin: germline.

Fulgent Genetics
Classification: Uncertain significance for Central core myopathy; Malignant hyperthermia, susceptibility to, 1; Congenital myopathy 4A, autosomal dominant; Congenital multicore myopathy with external ophthalmoplegia; King Denborough syndrome. Last evaluated: 2021-10-21. Review status: criteria provided, single submitter. Criteria: ACMG Guidelines, 2015. Collection method: clinical testing. Allele origin: unknown.

Labcorp Genetics (formerly Invitae), Labcorp
Classification: Uncertain significance for RYR1-related disorder. Last evaluated: 2021-10-17. Review status: criteria provided, single submitter. Criteria: Invitae Variant Classification Sherloc (09022015). Collection method: clinical testing. Allele origin: germline.
Comment: This sequence change replaces proline with serine at codon 1059 of the RYR1 protein (p.Pro1059Ser). The proline residue is moderately conserved and there is a moderate physicochemical difference between proline and serine. This variant is present in population databases (rs558190898, ExAC 0.01%). This variant has not been reported in the literature in individuals with RYR1-related conditions. ClinVar contains an entry for this variant (Variation ID: 283543). Advanced modeling of protein sequence and biophysical properties (such as structural, functional, and spatial information, amino acid conservation, physicochemical variation, residue mobility, and thermodynamic stability) performed at Invitae indicates that this missense variant is not expected to disrupt RYR1 protein function. In summary, the available evidence is currently insufficient to determine the role of this variant in disease. Therefore, it has been classified as a Variant of Uncertain Significance.

Eurofins Ntd Llc (ga)
Classification: Uncertain significance. Last evaluated: 2015-10-01. Review status: criteria provided, single submitter. Criteria: EGL Classification Definitions 2015. Collection method: clinical testing. Allele origin: germline. Observed: 1 variant allele, 1 heterozygote.

NM_000540.3(RYR1):c.3175C>T (p.Pro1059Ser)

Gene: RYR1 (ryanodine receptor 1; plus strand). Cytogenetic location: 19q13.2.
Variant type: single nucleotide variant.
Coding change: c.3175C>T on transcript NM_000540.3 (MANE Select); coding-DNA position 3175, C replaced by T.
Protein change: p.Pro1059Ser; replaces proline 1059 with serine.
Molecular consequence: missense variant.
Genome position (GRCh38, 1-based): chr19:38,466,395, C>T. VCF-style: chr19-38466395-C-T. GRCh37 (hg19) VCF-style: chr19-38957035-C-T.
Other names: c.3175C>T (NM_000540.2); c.3175C>T, p.Pro1059Ser (NM_001042723.2); short protein forms P1059S.
Identifiers: ClinVar variation 283543 (VCV000283543.16), dbSNP rs558190898, ClinGen allele CA064471.